The following is an entry in ClinVar:

ClinVar aggregate classification (germline): Uncertain significance (1 of 4 stars; one submission).

Allele frequency attached by ClinVar (database versions not stated): ExAC 0.00002; TOPMed 0.00003; gnomAD 0.00005; ESP Exome Variant Server 0.00016.
gnomAD v4.1: 63 of 1,611,904 alleles (0.0039%); highest among the groups gnomAD compares: African/African-American, 0.0053%; no homozygotes.

Submission:

Labcorp Genetics (formerly Invitae), Labcorp
Classification: Uncertain significance. Last evaluated: 2025-11-01. Review status: criteria provided, single submitter. Criteria: Invitae Variant Classification Sherloc (09022015). Collection method: clinical testing. Allele origin: germline.
Comment: This sequence change falls in intron 5 of the CARMIL2 gene. It does not directly change the encoded amino acid sequence of the CARMIL2 protein. This variant is present in population databases (rs371122889, gnomAD 0.006%). This variant has not been reported in the literature in individuals affected with CARMIL2-related conditions. ClinVar contains an entry for this variant (Variation ID: 1919114). Algorithms developed to predict the effect of sequence changes on RNA splicing suggest that this variant may create or strengthen a splice site. In summary, the available evidence is currently insufficient to determine the role of this variant in disease. Therefore, it has been classified as a Variant of Uncertain Significance.

NM_001013838.3(CARMIL2):c.374+7C>G

Gene: CARMIL2 (capping protein regulator and myosin 1 linker 2; plus strand). Cytogenetic location: 16q22.1.
Variant type: single nucleotide variant.
Coding change: c.374+7C>G on transcript NM_001013838.3 (MANE Select); 7 bases into the intron after coding-DNA position 374, C replaced by G.
Molecular consequence: intron variant.
Genome position (GRCh38, 1-based): chr16:67,646,317, C>G. VCF-style: chr16-67646317-C-G. GRCh37 (hg19) VCF-style: chr16-67680220-C-G.
Other names: c.374+7C>G (NM_001317026.3).
Identifiers: ClinVar variation 1919114 (VCV001919114.4), dbSNP rs371122889, ClinGen allele CA8113030.